The following is an entry in ClinVar:

ClinVar aggregate classification (germline): Conflicting classifications of pathogenicity. Review status: criteria provided, conflicting classifications (1 of 4 stars). 6 submissions from 6 submitters: Uncertain significance (3); Likely benign (2). 1 of the submissions does not count toward it. Last evaluated 2026-07-29.

Conditions:
BRIP1-related disorder. Also called: BRIP1-related condition; BRIP1-related disorders. Identifiers: MedGen CN239206.
Familial cancer of breast. Also called: Hereditary breast cancer; BREAST CANCER, FAMILIAL; hereditary breast carcinoma. Identifiers: Orphanet 227535, MedGen C0346153, MONDO:0016419, OMIM 114480. Disease mechanism: loss of function.
Fanconi anemia complementation group J. Also called: BRIP1-Related Fanconi Anemia. Identifiers: Orphanet 84, MedGen C1836860, MONDO:0012187, OMIM 609054.
Hereditary cancer-predisposing syndrome. Also called: Neoplastic Syndromes, Hereditary; Hereditary Cancer Syndrome; Tumor predisposition; Hereditary neoplastic syndrome. Identifiers: Orphanet 140162, MedGen C0027672, MeSH D009386, MONDO:0015356.

Allele frequency attached by ClinVar (database versions not stated): TOPMed 0.00001; gnomAD 0.00001; gnomAD exomes below 0.00001; ExAC 0.00001.
gnomAD v4.1: 3 of 1,613,524 alleles (0.00019%); highest among the groups gnomAD compares: Non-Finnish European, 0.00025%; no homozygotes.

Submissions (6):

Ambry Genetics
Classification: Likely benign for Hereditary cancer-predisposing syndrome. Last evaluated: 2026-07-29. Review status: criteria provided, single submitter. Criteria: Ambry Variant Classification Scheme 2023. Collection method: clinical testing. Allele origin: germline.

Labcorp Genetics (formerly Invitae), Labcorp
Classification: Uncertain significance for Familial cancer of breast; Fanconi anemia complementation group J. Last evaluated: 2025-08-20. Review status: criteria provided, single submitter. Criteria: Invitae Variant Classification Sherloc (09022015). Collection method: clinical testing. Allele origin: germline.
Comment: This sequence change replaces glutamic acid, which is acidic and polar, with glycine, which is neutral and non-polar, at codon 1202 of the BRIP1 protein (p.Glu1202Gly). This variant is present in population databases (rs776010326, gnomAD 0.0009%). This variant has not been reported in the literature in individuals affected with BRIP1-related conditions. ClinVar contains an entry for this variant (Variation ID: 186352). Invitae Evidence Modeling of protein sequence and biophysical properties (such as structural, functional, and spatial information, amino acid conservation, physicochemical variation, residue mobility, and thermodynamic stability) indicates that this missense variant is not expected to disrupt BRIP1 protein function with a negative predictive value of 95%. In summary, the available evidence is currently insufficient to determine the role of this variant in disease. Therefore, it has been classified as a Variant of Uncertain Significance.

Color Diagnostics, LLC DBA Color Health
Classification: Likely benign for Hereditary cancer-predisposing syndrome. Last evaluated: 2025-04-08. Review status: criteria provided, single submitter. Criteria: ACMG Guidelines, 2015. Collection method: clinical testing. Allele origin: germline.

GeneDx
Classification: Uncertain significance. Last evaluated: 2023-08-08. Review status: criteria provided, single submitter. Criteria: GeneDx Variant Classification Process June 2021. Collection method: clinical testing. Allele origin: germline. Affected: yes.
Comment: Not observed at significant frequency in large population cohorts (gnomAD); In silico analysis supports that this missense variant does not alter protein structure/function; Has not been previously published as pathogenic or benign to our knowledge

KCCC/NGS Laboratory, Kuwait Cancer Control Center
Classification: Uncertain significance for Familial cancer of breast. Last evaluated: 2023-05-29. Review status: criteria provided, single submitter. Criteria: ACMG Guidelines, 2015. Collection method: clinical testing. Allele origin: unknown. Inheritance: Autosomal dominant inheritance. Affected: yes. Observed: 1 heterozygote.
Comment: a variant of uncertain significance was detected in the BRIP1 gene (c.3605A>G).This sequence change replaces glutamic acid, which is acidic and polar, with glycine, which is neutral and non‐polar, at codon 1202 of the BRIP1 protein (p.Glu1202Gly). This amino acid position is not well conserved (PhyloP=1.6) . This variant is present in population databases (rs776010326, gnomAD 0.0009%). This variant has not been reported in the literature in individuals affected with BRIP1‐related conditions. ClinVar contains an entry for this variant (Variation ID: 186352). In silico analysis supports that this missense variant does not alter protein structure/function. In summary, the available evidence is currently insufficient to determine the role of this variant in disease. Therefore, it has been classified as a Variant of Uncertain Significance.

PreventionGenetics, part of Exact Sciences
Classification: Uncertain significance for BRIP1-related condition. Last evaluated: 2024-02-28. Review status: no assertion criteria provided. Collection method: clinical testing. Allele origin: germline. Not counted in ClinVar's aggregate classification.
Comment: The BRIP1 c.3605A>G variant is predicted to result in the amino acid substitution p.Glu1202Gly. To our knowledge, this variant has not been reported in the literature. This variant is reported in 0.00088% of alleles in individuals of European (Non-Finnish) descent in gnomAD. At this time, the clinical significance of this variant is uncertain due to the absence of conclusive functional and genetic evidence.

NM_032043.3(BRIP1):c.3605A>G (p.Glu1202Gly)

Gene: BRIP1 (BRCA1 interacting DNA helicase 1; minus strand). Cytogenetic location: 17q23.2.
Variant type: single nucleotide variant.
Coding change: c.3605A>G on transcript NM_032043.3 (MANE Select); coding-DNA position 3605, A replaced by G.
Protein change: p.Glu1202Gly; replaces glutamic acid 1202 with glycine.
Molecular consequence: missense variant.
Genome position (GRCh38, 1-based): chr17:61,683,441, T>C on the plus strand (A>G on the coding strand, the complement: BRIP1 is on the minus strand). VCF-style: chr17-61683441-T-C. GRCh37 (hg19) VCF-style: chr17-59760802-T-C.
Other names: short protein forms E1202G.
Identifiers: ClinVar variation 186352 (VCV000186352.32), dbSNP rs776010326, ClinGen allele CA194566.